The following is an entry in ClinVar:

ClinVar aggregate classification (germline): Conflicting classifications of pathogenicity. Review status: criteria provided, conflicting classifications (1 of 4 stars). 2 submissions from 2 submitters: Likely pathogenic (1); Uncertain significance (1). Last evaluated 2015-01-05.

Submissions (2):

GeneDx
Classification: Likely pathogenic. Last evaluated: 2015-01-05. Review status: criteria provided, single submitter. Criteria: GeneDx Variant Classification (06012015). Collection method: clinical testing. Allele origin: germline. Affected: yes.
Comment: A novel Y4725N variant that is likely pathogenic was identified in the RYR2 gene. While the Y4725N variant in the RYR2 gene has not been reported to our knowledge, a variant affecting this same residue, Y4725C, has been reported in association with CPVT but with no segregation data provided (Kawamura M et al., 2013). The Y4725N variant was not observed in approximately 6,000 individuals of European and African American ancestry in an external variant database, indicating it is not a common benign variant in these populations. The Y4725 variant is a semi-conservative amino acid substitution, which may impact secondary protein structure as these residues differ in some properties. This substitution occurs at a position that is highly conserved across species. Additionally, in silico analysis predicts this variant is probably damaging to the protein structure/function. However, no other missense variants in nearby residues have been reported in the Human Gene Mutation Database in association with CPVT (Stenson et al., 2014). Therefore, this is a strong candidate for a pathogenic variant, however the possibility that it is a benign variant cannot be excluded.

Stanford Center for Inherited Cardiovascular Disease, Stanford University
Classification: Uncertain significance. Last evaluated: 2013-11-13. Review status: criteria provided, single submitter. Criteria: ACMG Guidelines, 2015. Collection method: provider interpretation. Allele origin: germline.

NM_001035.3(RYR2):c.14173T>A (p.Tyr4725Asn)

Gene: RYR2 (ryanodine receptor 2; plus strand). Cytogenetic location: 1q43.
Variant type: single nucleotide variant.
Coding change: c.14173T>A on transcript NM_001035.3 (MANE Select); coding-DNA position 14173, T replaced by A.
Protein change: p.Tyr4725Asn; replaces tyrosine 4725 with asparagine.
Molecular consequence: missense variant.
Genome position (GRCh38, 1-based): chr1:237,806,158, T>A. VCF-style: chr1-237806158-T-A. GRCh37 (hg19) VCF-style: chr1-237969458-T-A.
Other names: c.14173T>A, p.Tyr4725Asn (LRG_402t1); short protein forms Y4725N.
Identifiers: ClinVar variation 235053 (VCV000235053.4), dbSNP rs876661387, ClinGen allele CA10581136.
Genomic context (GRCh38, chr1:237,806,158, plus strand): 5'-TTTTCTGACATGTTCTTTCCCCCCGTTTTGTCTTAATAGTCCTTCCTCTACCTAGCCTGG[T>A]ATATGACTATGTCTGTTCTTGGACACTATAACAACTTTTTTTTTGCCGCTCACCTTCTCG-3'
Protein context (NP_001026.2, residues 4715-4735): TDNSFLYLAW[Tyr4725Asn]MTMSVLGHYN